The following is an entry in ClinVar:

ClinVar aggregate classification (germline): Benign/Likely benign. Review status: criteria provided, multiple submitters, no conflicts (2 of 4 stars). 7 submissions from 7 submitters: Benign (2); Likely benign (3). 2 of the submissions do not count toward it. Last evaluated 2026-01-26.

Conditions:
D-2-hydroxyglutaric aciduria 1 (D2HGA1). Identifiers: Orphanet 79315, MedGen C3152055, MONDO:0024554, OMIM 600721.
D2HGDH-related disorder. Also called: D2HGDH-related condition.

Allele frequency attached by ClinVar (database versions not stated): gnomAD 0.00315 and 0.00323; ExAC 0.00325; gnomAD exomes 0.00357 and 0.00450; ESP Exome Variant Server 0.00377; 1000 Genomes Project 0.00040; 1000 Genomes Project 30x 0.00062; TOPMed 0.00306.
gnomAD v4.1: 7,012 of 1,614,236 alleles (0.43%); highest among the groups gnomAD compares: Non-Finnish European, 0.51%; 23 homozygotes.

Submissions (7):

Labcorp Genetics (formerly Invitae), Labcorp
Classification: Benign for D-2-hydroxyglutaric aciduria 1. Last evaluated: 2026-01-26. Review status: criteria provided, single submitter. Criteria: Invitae Variant Classification Sherloc (09022015). Collection method: clinical testing. Allele origin: germline.

Blueprint Genetics
Classification: Likely benign. Last evaluated: 2024-11-21. Review status: criteria provided, single submitter. Criteria: ACMG Guidelines, 2015. Collection method: clinical testing. Allele origin: germline.

CeGaT Center for Human Genetics Tuebingen
Classification: Likely benign. Last evaluated: 2023-08-01. Review status: criteria provided, single submitter. Criteria: CeGaT Center For Human Genetics Tuebingen Variant Classification Criteria Version 2. Collection method: clinical testing. Allele origin: germline. Affected: yes. Observed: 5 variant alleles.
Comment: D2HGDH: BP4, BP7

Genetic Services Laboratory, University of Chicago
Classification: Benign. Last evaluated: 2019-06-25. Review status: criteria provided, single submitter. Criteria: ACMG Guidelines, 2015. Collection method: clinical testing. Allele origin: germline. Affected: no.

Illumina Laboratory Services, Illumina
Classification: Likely benign for D-2-hydroxyglutaric aciduria 1. Last evaluated: 2018-01-12. Review status: criteria provided, single submitter. Criteria: ICSL Variant Classification Criteria 13 December 2019. Collection method: clinical testing. Allele origin: germline.
Comment: This variant was observed in the ICSL laboratory as part of a predisposition screen in an ostensibly healthy population. It had not been previously curated by ICSL or reported in the Human Gene Mutation Database (HGMD: prior to June 1st, 2018), and was therefore a candidate for classification through an automated scoring system. Utilizing variant allele frequency, disease prevalence and penetrance estimates, and inheritance mode, an automated score was calculated to assess if this variant is too frequent to cause the disease. Based on the score and internal cut-off values, a variant classified as likely benign is not then subjected to further curation. The score for this variant resulted in a classification of likely benign for this disease.

PreventionGenetics, part of Exact Sciences
Classification: Benign for D2HGDH-related condition. Last evaluated: 2024-07-09. Review status: no assertion criteria provided. Collection method: clinical testing. Allele origin: germline. Not counted in ClinVar's aggregate classification.
Comment: This variant is classified as benign based on ACMG/AMP sequence variant interpretation guidelines (Richards et al. 2015 PMID: 25741868, with internal and published modifications).

Mayo Clinic Laboratories, Mayo Clinic
Classification: Likely benign. Last evaluated: 2016-03-15. Review status: no assertion criteria provided. Collection method: clinical testing. Allele origin: unknown. Not counted in ClinVar's aggregate classification.

NM_152783.5(D2HGDH):c.720C>A (p.Thr240=)

Gene: D2HGDH (D-2-hydroxyglutarate dehydrogenase; plus strand). Cytogenetic location: 2q37.3.
Variant type: single nucleotide variant.
Coding change: c.720C>A on transcript NM_152783.5 (MANE Select); coding-DNA position 720, C replaced by A.
Protein change: p.Thr240=; no amino-acid change (threonine 240 retained).
Molecular consequence: synonymous variant. On other transcripts: non-coding transcript variant (1).
Genome position (GRCh38, 1-based): chr2:241,744,744, C>A. VCF-style: chr2-241744744-C-A. GRCh37 (hg19) VCF-style: chr2-242684159-C-A.
Other names: c.318C>A, p.Thr106= (NM_001287249.2); c.159C>A, p.Thr53= (NM_001352824.2).
Identifiers: ClinVar variation 434886 (VCV000434886.65), dbSNP rs147210645, ClinGen allele CA2221754.